The following is an entry in ClinVar:

ClinVar aggregate classification (germline): Uncertain significance (1 of 4 stars; one submission).

Submission:

Labcorp Genetics (formerly Invitae), Labcorp
Classification: Uncertain significance. Last evaluated: 2022-05-24. Review status: criteria provided, single submitter. Criteria: Invitae Variant Classification Sherloc (09022015). Collection method: clinical testing. Allele origin: germline.
Comment: This sequence change replaces aspartic acid, which is acidic and polar, with asparagine, which is neutral and polar, at codon 621 of the PDZD7 protein (p.Asp621Asn). This variant is not present in population databases (gnomAD no frequency). This variant has not been reported in the literature in individuals affected with PDZD7-related conditions. Algorithms developed to predict the effect of missense changes on protein structure and function are either unavailable or do not agree on the potential impact of this missense change (SIFT: "Deleterious"; PolyPhen-2: "Not Available"; Align-GVGD: "Class C0"). In summary, the available evidence is currently insufficient to determine the role of this variant in disease. Therefore, it has been classified as a Variant of Uncertain Significance.

NM_001195263.2(PDZD7):c.1861G>A (p.Asp621Asn)

Gene: PDZD7 (PDZ domain containing 7; minus strand). Cytogenetic location: 10q24.31.
Variant type: single nucleotide variant.
Coding change: c.1861G>A on transcript NM_001195263.2 (MANE Select); coding-DNA position 1861, G replaced by A.
Protein change: p.Asp621Asn; replaces aspartic acid 621 with asparagine.
Molecular consequence: missense variant.
Genome position (GRCh38, 1-based): chr10:101,011,997, C>T on the plus strand (G>A on the coding strand, the complement: PDZD7 is on the minus strand). VCF-style: chr10-101011997-C-T. GRCh37 (hg19) VCF-style: chr10-102771754-C-T.
Other names: short protein forms D621N.
Identifiers: ClinVar variation 1998339 (VCV001998339.4), dbSNP rs2492792983, ClinGen allele CA378226354.